The following is an entry in ClinVar:

NM_012087.4(GTF3C5):c.1250+4C>T

Gene: GTF3C5 (general transcription factor IIIC subunit 5; plus strand). Cytogenetic location: 9q34.13.
Variant type: single nucleotide variant.
Coding change: c.1250+4C>T on transcript NM_012087.4 (MANE Select); 4 bases into the intron after coding-DNA position 1250, C replaced by T.
Molecular consequence: intron variant.
Genome position (GRCh38, 1-based): chr9:133,056,098, C>T. VCF-style: chr9-133056098-C-T. GRCh37 (hg19) VCF-style: chr9-135931485-C-T.
Other names: c.1271+4C>T (NM_001122823.2); c.728+4C>T (NM_001286709.2).
Identifiers: ClinVar variation 4533559 (VCV004533559.6).
Genomic context (GRCh38, chr9:133,056,098, plus strand): 5'-GGCCTTGCCACCCTATCGGCAGATGTTCTACCAGTTATGCGACTTGAATGTGGAAGAGTA[C>T]GTATGGGAGGGGCCCTGAGACACTGAGGGGGGCCCGTGGGACCCAGGGACCAAAGCGGTC-3'

ClinVar aggregate classification (germline): Likely benign (1 of 4 stars; one submission).

gnomAD v4.1: 2,991 of 1,612,942 alleles (0.19%); highest among the groups gnomAD compares: South Asian, 0.42%; 9 homozygotes.

Submission:

CeGaT Center for Human Genetics Tuebingen
Classification: Likely benign. Last evaluated: 2025-11-01. Review status: criteria provided, single submitter. Criteria: CeGaT Center For Human Genetics Tuebingen Variant Classification Criteria Version 2. Collection method: clinical testing. Allele origin: germline. Affected: yes. Observed: 1 variant allele.
Comment: GTF3C5: BP4, BS2